The following is an entry in ClinVar:

ClinVar aggregate classification (germline): Uncertain significance (1 of 4 stars; one submission).

Submission:

GeneDx
Classification: Uncertain significance. Last evaluated: 2020-01-20. Review status: criteria provided, single submitter. Criteria: GeneDx Variant Classification Process June 2021. Collection method: clinical testing. Allele origin: germline. Affected: yes.
Comment: Not observed in large population cohorts (Lek et al., 2016); In silico analysis, which includes protein predictors and evolutionary conservation, supports that this variant does not alter protein structure/function; Has not been previously published as pathogenic or benign to our knowledge; Variants in candidate genes are classified as variants of uncertain significance in accordance with ACMG guidelines (Richards et al., 2015)

NM_001042603.3(KDM5A):c.583G>A (p.Glu195Lys)

Gene: KDM5A (lysine demethylase 5A; minus strand). Cytogenetic location: 12p13.33.
Variant type: single nucleotide variant.
Coding change: c.583G>A on transcript NM_001042603.3 (MANE Select); coding-DNA position 583, G replaced by A.
Protein change: p.Glu195Lys; replaces glutamic acid 195 with lysine.
Molecular consequence: missense variant.
Genome position (GRCh38, 1-based): chr12:363,052, C>T on the plus strand (G>A on the coding strand, the complement: KDM5A is on the minus strand). VCF-style: chr12-363052-C-T. GRCh37 (hg19) VCF-style: chr12-472218-C-T.
Other names: short protein forms E195K.
Identifiers: ClinVar variation 1311201 (VCV001311201.2), dbSNP rs2137466885, ClinGen allele CA383627296.